The following is an entry in ClinVar:

ClinVar aggregate classification (germline): Uncertain significance (1 of 4 stars; one submission).

Submission:

Ambry Genetics
Classification: Uncertain significance. Last evaluated: 2026-07-26. Review status: criteria provided, single submitter. Criteria: Ambry Variant Classification Scheme 2023. Collection method: clinical testing. Allele origin: germline.
Comment: The p.Q196E variant (also known as c.586C>G), located in coding exon 6 of the FAM175A gene, results from a C to G substitution at nucleotide position 586. The glutamine at codon 196 is replaced by glutamic acid, an amino acid with highly similar properties. This amino acid position is conserved. In addition, this alteration is predicted to be tolerated by in silico analysis. Based on the available evidence, the clinical significance of this variant remains unclear.

NM_139076.3(ABRAXAS1):c.586C>G (p.Gln196Glu)

Gene: ABRAXAS1 (abraxas 1, BRCA1 A complex subunit; minus strand). Cytogenetic location: 4q21.23.
Variant type: single nucleotide variant.
Coding change: c.586C>G on transcript NM_139076.3 (MANE Select); coding-DNA position 586, C replaced by G.
Protein change: p.Gln196Glu; replaces glutamine 196 with glutamic acid.
Molecular consequence: missense variant.
Genome position (GRCh38, 1-based): chr4:83,469,042, G>C on the plus strand (C>G on the coding strand, the complement: ABRAXAS1 is on the minus strand). VCF-style: chr4-83469042-G-C. GRCh37 (hg19) VCF-style: chr4-84390195-G-C.
Other names: c.259C>G, p.Gln87Glu (NM_001345962.2); short protein forms Q87E, Q196E.
Identifiers: ClinVar variation 5028931 (VCV005028931.1).
Genomic context (GRCh38, chr4:83,469,042, plus strand): 5'-TTAATTTCAAAGATGAATAGAAGTTTTGTGAGAAAGCAGTTGAATCTTACCTGTGTGTTT[G>C]TACTGCTCGGCTAAAACCAGTGGACATACAGGAACCTGATACAGTTTTATAACCCAGTTG-3'
Protein context (NP_620775.2, residues 186-206): CMSTGFSRAV[Gln196Glu]THSSKFFEED